The following is an entry in ClinVar:

NM_001267550.2(TTN):c.72665C>T (p.Pro24222Leu)

Genes: TTN (titin; minus strand), TTN-AS1 (TTN antisense RNA 1; plus strand). Cytogenetic location: 2q31.2.
Variant type: single nucleotide variant.
Coding change: c.72665C>T on transcript NM_001267550.2 (MANE Select); coding-DNA position 72665, C replaced by T.
Protein change: p.Pro24222Leu; replaces proline 24222 with leucine.
Molecular consequence: missense variant.
Genome position (GRCh38, 1-based): chr2:178,573,467, G>A on the plus strand (C>T on the coding strand, the complement: TTN is on the minus strand). VCF-style: chr2-178573467-G-A. GRCh37 (hg19) VCF-style: chr2-179438194-G-A.
Other names: c.67742C>T, p.Pro22581Leu (NM_001256850.1); c.45470C>T, p.Pro15157Leu (NM_003319.4); c.64961C>T, p.Pro21654Leu (NM_133378.4); c.45845C>T, p.Pro15282Leu (NM_133432.3); c.46046C>T, p.Pro15349Leu (NM_133437.4); short protein forms P15157L, P15282L, P15349L, P21654L, P22581L, P24222L.
Identifiers: ClinVar variation 2636368 (VCV002636368.1), dbSNP rs2468586750, ClinGen allele CA349646134.

ClinVar aggregate classification (germline): Uncertain significance (1 of 4 stars; one submission).

Conditions:
TTN-related disorder. Also called: TTN-related condition; TTN-related disease; TTN-related disorders.

Submission:

PreventionGenetics, part of Exact Sciences
Classification: Uncertain significance for TTN-related condition. Last evaluated: 2022-09-07. Review status: criteria provided, single submitter. Criteria: ACMG Guidelines, 2015. Collection method: clinical testing. Allele origin: germline.
Comment: The TTN c.72665C>T variant is predicted to result in the amino acid substitution p.Pro24222Leu. To our knowledge, this variant has not been reported in the literature or in a large population database, indicating this variant is rare. At this time, the clinical significance of this variant is uncertain due to the absence of conclusive functional and genetic evidence.